The following is an entry in ClinVar:

ClinVar aggregate classification (germline): Uncertain significance (1 of 4 stars; one submission).

Conditions:
Charcot-Marie-Tooth Neuropathy X. Identifiers: MedGen CN118851.

Submission:

Labcorp Genetics (formerly Invitae), Labcorp
Classification: Uncertain significance for Charcot-Marie-Tooth Neuropathy X. Last evaluated: 2018-10-25. Review status: criteria provided, single submitter. Criteria: Invitae Variant Classification Sherloc (09022015). Collection method: clinical testing. Allele origin: germline.
Comment: This variant results in a copy number gain of the genomic region encompassing the full coding sequence of the PRPS1 gene. The boundaries of this event are unknown as they extend beyond the assayed region for this gene and therefore may encompass additional genes. As the precise location of this event is unknown, it may be in tandem or it may be located elsewhere in the genome. This variant has not been reported in the literature in individuals with PRPS1-related disease. However, phosphoribosylpyrophosphate synthetase (PRS) catalytic superactivity has been determined to be caused by gain-of-function variants in PRPS1 (PMID: 8702702, 20301734). In summary, the available evidence is currently insufficient to determine the role of this variant in disease. Therefore, it has been classified as a Variant of Uncertain Significance.

Literature cited by the submitters: PubMed 8702702; PubMed 20301734.

NC_000023.10:g.(?_106871849)_(106893272_?)dup

Gene: PRPS1 (phosphoribosyl pyrophosphate synthetase 1; plus strand). Cytogenetic location: Xq22.3.
Variant type: Duplication.
Identifiers: ClinVar variation 649058 (VCV000649058.1).